The following is an entry in ClinVar:

ClinVar aggregate classification (germline): Likely benign. Review status: criteria provided, single submitter (1 of 4 stars). 2 submissions from 2 submitters: Likely benign (1). 1 of the submissions does not count toward it. Last evaluated 2021-02-19.

Conditions:
ERCC6-related disorder. Also called: ERCC6-related condition; ERCC6-related disorders. Identifiers: MedGen CN239385.

Allele frequency attached by ClinVar (database versions not stated): gnomAD exomes below 0.00001; gnomAD 0.00001; TOPMed 0.00001.
gnomAD v4.1: 6 of 1,613,824 alleles (0.00037%); highest among the groups gnomAD compares: Non-Finnish European, 0.00042%; no homozygotes.

Submissions (2):

Labcorp Genetics (formerly Invitae), Labcorp
Classification: Likely benign. Last evaluated: 2021-02-19. Review status: criteria provided, single submitter. Criteria: Invitae Variant Classification Sherloc (09022015). Collection method: clinical testing. Allele origin: germline.

PreventionGenetics, part of Exact Sciences
Classification: Likely benign for ERCC6-related condition. Last evaluated: 2020-06-09. Review status: no assertion criteria provided. Collection method: clinical testing. Allele origin: germline. Not counted in ClinVar's aggregate classification.
Comment: This variant is classified as likely benign based on ACMG/AMP sequence variant interpretation guidelines (Richards et al. 2015 PMID: 25741868, with internal and published modifications).

NM_000124.4(ERCC6):c.3300T>C (p.Asn1100=)

Gene: ERCC6 (ERCC excision repair 6, chromatin remodeling factor; minus strand). Cytogenetic location: 10q11.23.
Variant type: single nucleotide variant.
Coding change: c.3300T>C on transcript NM_000124.4 (MANE Select); coding-DNA position 3300, T replaced by C.
Protein change: p.Asn1100=; no amino-acid change (asparagine 1100 retained).
Molecular consequence: synonymous variant.
Genome position (GRCh38, 1-based): chr10:49,470,660, A>G on the plus strand (T>C on the coding strand, the complement: ERCC6 is on the minus strand). VCF-style: chr10-49470660-A-G. GRCh37 (hg19) VCF-style: chr10-50678706-A-G.
Other names: c.3300T>C, p.Asn1100= (NM_001346440.2); c.3300T>C (NM_000124.3).
Identifiers: ClinVar variation 1140952 (VCV001140952.11), dbSNP rs1192287179, ClinGen allele CA469788964.
Genomic context (GRCh38, chr10:49,470,660, plus strand): 5'-CAACTCTTCTGGTCCAGATACTGCATTTGTCTCTTCTCCAAGCCTATCATTGCTAGTTAC[A>G]TTACTACTCATGTGAGGGTCATCTTTCAAAGGATCACTTCGATTAGAAGTTACTGCATTT-3'
Protein context (NP_000115.1, residues 1090-1110): PLKDDPHMSS[Asn1100=]VTSNDRLGEE